The following is an entry in ClinVar:

ClinVar aggregate classification (germline): Uncertain significance. Review status: criteria provided, multiple submitters, no conflicts (2 of 4 stars). 2 submissions from 2 submitters: Uncertain significance (2). Last evaluated 2025-07-07.

Conditions:
Monocytopenia with susceptibility to infections. Also called: IMMUNODEFICIENCY 21; GATA2 DEFICIENCY; MONOCYTOPENIA AND MYCOBACTERIAL INFECTION SYNDROME; MONOCYTOPENIA WITH SUSCEPTIBILITY TO MYCOBACTERIAL, FUNGAL, AND PAPILLOMAVIRUS INFECTIONS AND MYELODYSPLASIA; COMBINED IMMUNODEFICIENCY WITH SUSCEPTIBILITY TO MYCOBACTERIAL, VIRAL, AND FUNGAL INFECTIONS; Dendritic cell, monocyte, B lymphocyte, and natural killer lymphocyte deficiency. Identifiers: Orphanet 228423, MedGen C3280030, MONDO:0013607, OMIM 614172.
Deafness-lymphedema-leukemia syndrome. Also called: Lymphedema, primary, with myelodysplasia; Emberger syndrome. Identifiers: Orphanet 3226, MedGen C3279664, MONDO:0013540, OMIM 614038.
Inborn genetic diseases. Identifiers: MedGen C0950123, MeSH D030342.

Allele frequency attached by ClinVar (database versions not stated): gnomAD exomes 0.00001.
gnomAD v4.1: 13 of 1,586,474 alleles (0.00082%); highest among the groups gnomAD compares: Non-Finnish European, 0.0011%; no homozygotes.

Submissions (2):

Ambry Genetics
Classification: Uncertain significance for Inborn genetic diseases. Last evaluated: 2025-07-07. Review status: criteria provided, single submitter. Criteria: Ambry Variant Classification Scheme 2023. Collection method: clinical testing. Allele origin: germline.
Comment: The p.A4E variant (also known as c.11C>A), located in coding exon 1 of the GATA2 gene, results from a C to A substitution at nucleotide position 11. The alanine at codon 4 is replaced by glutamic acid, an amino acid with dissimilar properties. This amino acid position is highly conserved in available vertebrate species. In addition, this alteration is predicted to be deleterious by in silico analysis. Based on the available evidence, the clinical significance of this variant remains unclear.

Labcorp Genetics (formerly Invitae), Labcorp
Classification: Uncertain significance for Monocytopenia with susceptibility to infections; Deafness-lymphedema-leukemia syndrome. Last evaluated: 2021-10-12. Review status: criteria provided, single submitter. Criteria: Invitae Variant Classification Sherloc (09022015). Collection method: clinical testing. Allele origin: germline.
Comment: In summary, the available evidence is currently insufficient to determine the role of this variant in disease. Therefore, it has been classified as a Variant of Uncertain Significance. Algorithms developed to predict the effect of missense changes on protein structure and function are either unavailable or do not agree on the potential impact of this missense change (SIFT: "Tolerated"; PolyPhen-2: "Probably Damaging"; Align-GVGD: "Class C0"). This variant has not been reported in the literature in individuals affected with GATA2-related conditions. This variant is not present in population databases (ExAC no frequency). This sequence change replaces alanine with glutamic acid at codon 4 of the GATA2 protein (p.Ala4Glu). The alanine residue is moderately conserved and there is a moderate physicochemical difference between alanine and glutamic acid.

NM_032638.5(GATA2):c.11C>A (p.Ala4Glu)

Gene: GATA2 (GATA binding protein 2; minus strand). Cytogenetic location: 3q21.3.
Variant type: single nucleotide variant.
Coding change: c.11C>A on transcript NM_032638.5 (MANE Select); coding-DNA position 11, C replaced by A.
Protein change: p.Ala4Glu; replaces alanine 4 with glutamic acid.
Molecular consequence: missense variant.
Genome position (GRCh38, 1-based): chr3:128,487,021, G>T on the plus strand (C>A on the coding strand, the complement: GATA2 is on the minus strand). VCF-style: chr3-128487021-G-T. GRCh37 (hg19) VCF-style: chr3-128205864-G-T.
Other names: c.11C>A, p.Ala4Glu (NM_001145661.2, NM_001145662.1); short protein forms A4E.
Identifiers: ClinVar variation 648582 (VCV000648582.9), dbSNP rs1576750043, ClinGen allele CA354409327.